The following is an entry in ClinVar:

NM_001042492.3(NF1):c.6836T>G (p.Leu2279Ter)

Gene: NF1 (neurofibromin 1; plus strand). Cytogenetic location: 17q11.2.
Variant type: single nucleotide variant.
Coding change: c.6836T>G on transcript NM_001042492.3 (MANE Select); coding-DNA position 6836, T replaced by G.
Protein change: p.Leu2279Ter; replaces leucine 2279 with a stop codon.
Molecular consequence: nonsense.
Genome position (GRCh38, 1-based): chr17:31,338,720, T>G. VCF-style: chr17-31338720-T-G. GRCh37 (hg19) VCF-style: chr17-29665738-T-G.
Other names: c.6773T>G, p.Leu2258Ter (NM_000267.4); short protein forms L2258*, L2279*.
Identifiers: ClinVar variation 2862745 (VCV002862745.3), dbSNP rs2508762485, ClinGen allele CA399014277.

ClinVar aggregate classification (germline): Pathogenic (1 of 4 stars; one submission).

Conditions:
Neurofibromatosis, type 1 (NF1). Also called: Neurofibromatosis, type I; NEUROFIBROMATOSIS, TYPE I, SOMATIC; Peripheral type neurofibromatosis; VON RECKLINGHAUSEN DISEASE. Identifiers: Orphanet 636, MedGen C0027831, MONDO:0018975, OMIM 162200. Disease mechanism: loss of function.

Submission:

Labcorp Genetics (formerly Invitae), Labcorp
Classification: Pathogenic for Neurofibromatosis, type 1. Last evaluated: 2023-05-09. Review status: criteria provided, single submitter. Criteria: Invitae Variant Classification Sherloc (09022015). Collection method: clinical testing. Allele origin: germline.
Comment: This variant has not been reported in the literature in individuals affected with NF1-related conditions. This variant is not present in population databases (gnomAD no frequency). This sequence change creates a premature translational stop signal (p.Leu2258*) in the NF1 gene. It is expected to result in an absent or disrupted protein product. Loss-of-function variants in NF1 are known to be pathogenic (PMID: 10712197, 23913538). For these reasons, this variant has been classified as Pathogenic.

Literature cited by the submitters: PubMed 10712197; PubMed 23913538.